The following is an entry in ClinVar:

NM_001999.4(FBN2):c.117del (p.Gln41fs)

Gene: FBN2 (fibrillin 2; minus strand). Cytogenetic location: 5q23.3.
Variant type: Deletion.
Coding change: c.117del on transcript NM_001999.4 (MANE Select); coding-DNA position 117, one base deleted (G; older notation c.117delG).
Protein change: p.Gln41fs; shifts the reading frame from glutamine 41.
Molecular consequence: frameshift variant.
Genome position (GRCh38, 1-based): chr5:128,537,487, C deleted on the plus strand (G on the coding strand, the reverse complement: FBN2 is on the minus strand); the first of 2 consecutive C bases (chr5:128,537,487-128,537,488); deleting either gives the same sequence. VCF-style (leftmost placement, unchanged base first): chr5-128537486-GC-G. GRCh37 (hg19) VCF-style: chr5-127873179-GC-G.
Other names: short protein forms Q41fs.
Identifiers: ClinVar variation 2695647 (VCV002695647.3), dbSNP rs2479827902, ClinGen allele CA2697546459.

ClinVar aggregate classification (germline): Uncertain significance (1 of 4 stars; one submission).

Conditions:
Congenital contractural arachnodactyly (CCA). Also called: Beals-Hecht syndrome; BEALS SYNDROME; Arthrogryposis, distal, type 9. Identifiers: Orphanet 115, MedGen C0220668, MONDO:0007363, OMIM 121050.

Submission:

Labcorp Genetics (formerly Invitae), Labcorp
Classification: Uncertain significance for Congenital contractural arachnodactyly. Last evaluated: 2023-06-14. Review status: criteria provided, single submitter. Criteria: Invitae Variant Classification Sherloc (09022015). Collection method: clinical testing. Allele origin: germline.
Comment: In summary, the available evidence is currently insufficient to determine the role of this variant in disease. Therefore, it has been classified as a Variant of Uncertain Significance. This variant has not been reported in the literature in individuals affected with FBN2-related conditions. This variant is not present in population databases (gnomAD no frequency). This sequence change creates a premature translational stop signal (p.Gln41Serfs*19) in the FBN2 gene. It is expected to result in an absent or disrupted protein product. However, the current clinical and genetic evidence is not sufficient to establish whether loss-of-function variants in FBN2 cause disease.